The following is an entry in ClinVar:

NM_003612.5(SEMA7A):c.492C>T (p.Gly164=)

Gene: SEMA7A (semaphorin 7A (JohnMiltonHagen blood group); minus strand). Cytogenetic location: 15q24.1.
Variant type: single nucleotide variant.
Coding change: c.492C>T on transcript NM_003612.5 (MANE Select); coding-DNA position 492, C replaced by T.
Protein change: p.Gly164=; no amino-acid change (glycine 164 retained).
Molecular consequence: synonymous variant. On other transcripts: 5 prime UTR variant (1).
Genome position (GRCh38, 1-based): chr15:74,417,649, G>A on the plus strand (C>T on the coding strand, the complement: SEMA7A is on the minus strand). VCF-style: chr15-74417649-G-A. GRCh37 (hg19) VCF-style: chr15-74709990-G-A.
Other names: NC_000015.9:g.74709990G>A; c.450C>T, p.Gly150= (NM_001146029.3); c.-4C>T (NM_001146030.3); c.492C>T (NM_003612.4).
Identifiers: ClinVar variation 2645541 (VCV002645541.26), dbSNP rs142309393, ClinGen allele CA7657226.

ClinVar aggregate classification (germline): Likely benign. Review status: criteria provided, multiple submitters, no conflicts (2 of 4 stars). 2 submissions from 2 submitters: Likely benign (2). Last evaluated 2026-02-05.

Conditions:
SEMA7A-related disorder. Also called: SEMA7A-related condition.

Allele frequency attached by ClinVar (database versions not stated): ESP Exome Variant Server 0.00108.
gnomAD v4.1: 1,171 of 1,612,218 alleles (0.073%); highest among the groups gnomAD compares: Non-Finnish European, 0.091%; 3 homozygotes.

Submissions (5):

PreventionGenetics, part of Exact Sciences
Classification: Likely benign for SEMA7A-related condition. Last evaluated: 2026-02-05. Review status: criteria provided, single submitter. Criteria: ACMG Guidelines, 2015. Collection method: clinical testing. Allele origin: germline.
Comment: This variant is classified as likely benign based on ACMG/AMP sequence variant interpretation guidelines (Richards et al. 2015 PMID: 25741868, with internal and published modifications).

CeGaT Center for Human Genetics Tuebingen
Classification: Likely benign. Last evaluated: 2023-05-01. Review status: criteria provided, single submitter. Criteria: CeGaT Center For Human Genetics Tuebingen Variant Classification Criteria Version 2. Collection method: clinical testing. Allele origin: germline. Affected: yes. Observed: 1 variant allele.
Comment: SEMA7A: BP4, BS1

Dr. Peter K. Rogan Lab, Western University
No classification provided (evidence only). Condition: Thyroid cancer, nonmedullary, 1. Review status: no classification provided. Collection method: in vitro. Allele origin: not applicable. Functional consequence: retained intron. Not counted in ClinVar's aggregate classification.

Dr. Peter K. Rogan Lab, Western University
No classification provided (evidence only). Condition: Gastric cancer. Review status: no classification provided. Collection method: in vitro. Allele origin: not applicable. Functional consequence: retained intron. Not counted in ClinVar's aggregate classification.

Dr. Peter K. Rogan Lab, Western University
No classification provided (evidence only). Condition: Gastric cancer. Review status: no classification provided. Collection method: in vitro. Allele origin: not applicable. Functional consequence: retained intron. Not counted in ClinVar's aggregate classification.